The following is an entry in ClinVar:

ClinVar aggregate classification (germline): Uncertain significance (1 of 4 stars; one submission).

Allele frequency attached by ClinVar (database versions not stated): gnomAD exomes below 0.00001.
gnomAD v4.1: 1 of 1,613,986 alleles (0.000062%); highest among the groups gnomAD compares: Non-Finnish European, 0.000085%; no homozygotes.

Submission:

Labcorp Genetics (formerly Invitae), Labcorp
Classification: Uncertain significance. Last evaluated: 2021-04-16. Review status: criteria provided, single submitter. Criteria: Invitae Variant Classification Sherloc (09022015). Collection method: clinical testing. Allele origin: germline.
Comment: This sequence change replaces arginine with lysine at codon 378 of the KMT2A protein (p.Arg378Lys). The arginine residue is moderately conserved and there is a small physicochemical difference between arginine and lysine. In summary, the available evidence is currently insufficient to determine the role of this variant in disease. Therefore, it has been classified as a Variant of Uncertain Significance. Advanced modeling of protein sequence and biophysical properties (such as structural, functional, and spatial information, amino acid conservation, physicochemical variation, residue mobility, and thermodynamic stability) performed at Invitae indicates that this missense variant is not expected to disrupt KMT2A protein function. This variant has not been reported in the literature in individuals with KMT2A-related conditions. This variant is not present in population databases (ExAC no frequency).

NM_001197104.2(KMT2A):c.1133G>A (p.Arg378Lys)

Gene: KMT2A (lysine methyltransferase 2A; plus strand). Cytogenetic location: 11q23.3.
Variant type: single nucleotide variant.
Coding change: c.1133G>A on transcript NM_001197104.2 (MANE Select); coding-DNA position 1133, G replaced by A.
Protein change: p.Arg378Lys; replaces arginine 378 with lysine.
Molecular consequence: missense variant.
Genome position (GRCh38, 1-based): chr11:118,472,292, G>A. VCF-style: chr11-118472292-G-A. GRCh37 (hg19) VCF-style: chr11-118343007-G-A.
Other names: c.1133G>A, p.Arg378Lys (NM_005933.4); short protein forms R378K.
Identifiers: ClinVar variation 1525277 (VCV001525277.8), dbSNP rs2134260259, ClinGen allele CA382809318.